The following is an entry in ClinVar:

ClinVar aggregate classification (germline): Pathogenic/Likely pathogenic. Review status: criteria provided, multiple submitters, no conflicts (2 of 4 stars). 11 submissions from 11 submitters: Pathogenic (7); Likely pathogenic (1). 3 of the submissions do not count toward it. Last evaluated 2026-02-06.

Conditions:
BBS9-related disorder. Also called: BBS9-related condition.
Bardet-Biedl syndrome (BBS). Identifiers: Orphanet 110, MedGen C0752166, MONDO:0015229.
Bardet-Biedl syndrome 9 (BBS9). Identifiers: Orphanet 110, MedGen C1859567, MONDO:0014437, OMIM 615986.

gnomAD v4.1: 5 of 1,613,010 alleles (0.00031%); highest among the groups gnomAD compares: Middle Eastern, 0.017%; no homozygotes.

Submissions (12):

Dasa
Classification: Pathogenic. Last evaluated: 2026-02-06. Review status: criteria provided, single submitter. Criteria: DASA Assertion Criteria. Collection method: clinical testing. Allele origin: germline.
Comment: NM_198428.3(BBS9):c.1789+1G>A introduces a premature termination codon predicted to result in loss of normal protein function. Loss-of-function is an established mechanism of disease for this gene. This variant results in the same amino acid change as a previously established pathogenic variant. This variant has been observed in affected individuals with related phenotype in a genotype context consistent with recessive disease (PMID: 16380913; PMID: 20177705; PMID: 34354814). This variant has been recurrently observed in individuals with related phenotype (PMID: 16380913; PMID: 20177705; PMID: 34354814). The variant is present at low frequency in population datasets. Based on the available data, this variant is classified as pathogenic.

GeneDx
Classification: Pathogenic. Last evaluated: 2025-12-08. Review status: criteria provided, single submitter. Criteria: GeneDx Variant Classification Process June 2021. Collection method: clinical testing. Allele origin: germline. Affected: yes.
Comment: Canonical splice site variant expected to result in aberrant splicing, although in the absence of functional evidence the actual effect of this sequence change is unknown.; Deletions involving coding exons of this gene are a known mechanism of disease (HGMD); Not observed at significant frequency in large population cohorts (gnomAD); This variant is associated with the following publications: (PMID: 32949114, 25525159, 32165602, 32552793, 34354814, 16380913, 32055034)

Genomic Research Center, Shahid Beheshti University of Medical Sciences
Classification: Pathogenic for Bardet-Biedl syndrome 9. Last evaluated: 2024-10-08. Review status: criteria provided, single submitter. Criteria: ACMG Guidelines, 2015. Collection method: clinical testing. Allele origin: inherited. Affected: yes. Observed: 1 homozygote.
Comment: This variant is not present in population databases (gnomAD no frequency). ClinVar contains an entry for this variant (Variation ID: 2656). It was reported in previous studies in individuals with Bardet-Biedl syndrome (PMID: 16380913, 32165602). It is expected to disrupt RNA splicing. For these reasons, this variant is classified as pathogenic.

Labcorp Genetics (formerly Invitae), Labcorp
Classification: Pathogenic for Bardet-Biedl syndrome. Last evaluated: 2024-08-15. Review status: criteria provided, single submitter. Criteria: Invitae Variant Classification Sherloc (09022015). Collection method: clinical testing. Allele origin: germline.
Comment: This sequence change affects a donor splice site in intron 17 of the BBS9 gene. It is expected to disrupt RNA splicing. Variants that disrupt the donor or acceptor splice site typically lead to a loss of protein function (PMID: 16199547), and loss-of-function variants in BBS9 are known to be pathogenic (PMID: 16380913, 20177705). This variant is not present in population databases (gnomAD no frequency). Disruption of this splice site has been observed in individual(s) with Bardet–Biedl syndrome (PMID: 16380913, 32165602). ClinVar contains an entry for this variant (Variation ID: 2656). Algorithms developed to predict the effect of sequence changes on RNA splicing suggest that this variant may disrupt the consensus splice site. For these reasons, this variant has been classified as Pathogenic.

Department of Pathology and Laboratory Medicine, Sinai Health System
Classification: Likely pathogenic for Bardet-Biedl syndrome. Last evaluated: 2022-11-07. Review status: criteria provided, single submitter. Criteria: ACMG Guidelines, 2015. Collection method: research. Allele origin: germline.

Fulgent Genetics
Classification: Pathogenic for Bardet-Biedl syndrome 9. Last evaluated: 2022-03-11. Review status: criteria provided, single submitter. Criteria: ACMG Guidelines, 2015. Collection method: clinical testing. Allele origin: unknown.

Baylor Genetics
Classification: Pathogenic for Bardet-Biedl syndrome 9. Last evaluated: 2022-01-03. Review status: criteria provided, single submitter. Criteria: ACMG Guidelines, 2015. Collection method: clinical testing. Allele origin: unknown.

Eurofins Ntd Llc (ga)
Classification: Pathogenic. Last evaluated: 2015-04-23. Review status: criteria provided, single submitter. Criteria: EGL Classification Definitions 2015. Collection method: clinical testing. Allele origin: germline. Observed: 1 variant allele, 1 homozygote.

PreventionGenetics, part of Exact Sciences
Classification: Pathogenic for BBS9-related condition. Last evaluated: 2024-08-26. Review status: no assertion criteria provided. Collection method: clinical testing. Allele origin: germline. Not counted in ClinVar's aggregate classification.
Comment: The BBS9 c.1789+1G>A variant is predicted to disrupt the GT donor site and interfere with normal splicing. This variant has been reported in the homozygous state in at least two individuals with Bardet-Biedl syndrome (Nishimura et al. 2005. PubMed ID: 16380913; Oliaei and Narimani. 2020. PubMed ID: 32165602). To our knowledge, this variant has not been reported in a large population database, indicating this variant is rare. Variants that disrupt the consensus splice donor site in BBS9 are expected to be pathogenic. This variant is interpreted as pathogenic.

Biochemical Molecular Genetic Laboratory, King Abdulaziz Medical City
Classification: Pathogenic for Bardet-Biedl syndrome 9. Last evaluated: 2020-10-11. Review status: no assertion criteria provided. Collection method: clinical testing. Allele origin: germline. Affected: yes. Not counted in ClinVar's aggregate classification.

OMIM
Classification: Pathogenic for BARDET-BIEDL SYNDROME 9. Last evaluated: 2005-12-01. Review status: no assertion criteria provided. Collection method: literature only. Allele origin: germline. Not counted in ClinVar's aggregate classification.

Dr. Peter K. Rogan Lab, Western University
No classification provided (evidence only). Condition: Pancreatic adenocarcinoma. Review status: no classification provided. Collection method: in vitro. Allele origin: not applicable. Functional consequence: skipped exon. Not counted in ClinVar's aggregate classification.

Literature cited by the submitters: PubMed 16380913 (cited by 4 submitters); PubMed 20177705 (cited by Dasa and Labcorp Genetics (formerly Invitae), Labcorp); PubMed 34354814 (cited by Dasa); PubMed 16199547 (cited by Labcorp Genetics (formerly Invitae), Labcorp); PubMed 32165602 (cited by Labcorp Genetics (formerly Invitae), Labcorp).

NM_198428.3(BBS9):c.1789+1G>A

Gene: BBS9 (Bardet-Biedl syndrome 9; plus strand). Cytogenetic location: 7p14.3.
Variant type: single nucleotide variant.
Coding change: c.1789+1G>A on transcript NM_198428.3 (MANE Select); the canonical splice donor site of the intron after coding-DNA position 1789, G replaced by A.
Molecular consequence: splice donor variant.
Genome position (GRCh38, 1-based): chr7:33,367,863, G>A. VCF-style: chr7-33367863-G-A. GRCh37 (hg19) VCF-style: chr7-33407475-G-A.
Other names: IVS17DS, G-A, +1; c.1423+1G>A (NM_001348037.3, NM_001348045.3, NM_001348046.3); c.1654+1G>A (NM_001348042.3); c.1318+1G>A (NM_001348044.3); c.1789+1G>A (NM_001348036.1, NM_001362679.1, NM_001348041.4 and 1 more transcripts); c.1516+1G>A (NM_001348038.3); c.1411+1G>A (NM_001348039.3); c.1774+1G>A (NM_001033605.2); and 2 more.
Identifiers: ClinVar variation 2656 (VCV000002656.18), dbSNP rs201938124, ClinGen allele CA252383.
Genomic context (GRCh38, chr7:33,367,863, plus strand): 5'-TAATGGGTTTTCACTTCTTAGGAGGTGCTCGAATTACTGTTCTTGCTTCCAAAACTTCTC[G>A]TAAGTAAAACCATGTTATCATTGCTTTTTAAATTTTTTTCTAAGGATACCACATCACAGA-3'